The following is an entry in ClinVar:

ClinVar aggregate classification (germline): Likely benign. Review status: criteria provided, multiple submitters, no conflicts (2 of 4 stars). 3 submissions from 3 submitters: Likely benign (2). 1 of the submissions does not count toward it. Last evaluated 2024-09-11.

Conditions:
TRAPPC12-related disorder. Also called: TRAPPC12-related condition.

Allele frequency attached by ClinVar (database versions not stated): TOPMed below 0.00001; gnomAD 0.00001.
gnomAD v4.1: 6 of 1,530,264 alleles (0.00039%); highest among the groups gnomAD compares: Admixed American, 0.0039%; no homozygotes.

Submissions (3):

Blueprint Genetics
Classification: Likely benign. Last evaluated: 2024-09-11. Review status: criteria provided, single submitter. Criteria: ACMG Guidelines, 2015. Collection method: clinical testing. Allele origin: germline.

Labcorp Genetics (formerly Invitae), Labcorp
Classification: Likely benign. Last evaluated: 2023-07-27. Review status: criteria provided, single submitter. Criteria: Invitae Variant Classification Sherloc (09022015). Collection method: clinical testing. Allele origin: germline.

PreventionGenetics, part of Exact Sciences
Classification: Likely benign for TRAPPC12-related condition. Last evaluated: 2019-02-22. Review status: no assertion criteria provided. Collection method: clinical testing. Allele origin: germline. Not counted in ClinVar's aggregate classification.
Comment: This variant is classified as likely benign based on ACMG/AMP sequence variant interpretation guidelines (Richards et al. 2015 PMID: 25741868, with internal and published modifications).

NM_016030.6(TRAPPC12):c.1047+10G>A

Gene: TRAPPC12 (trafficking protein particle complex subunit 12; plus strand). Cytogenetic location: 2p25.3.
Variant type: single nucleotide variant.
Coding change: c.1047+10G>A on transcript NM_016030.6 (MANE Select); 10 bases into the intron after coding-DNA position 1047, G replaced by A.
Molecular consequence: intron variant.
Genome position (GRCh38, 1-based): chr2:3,388,680, G>A. VCF-style: chr2-3388680-G-A. GRCh37 (hg19) VCF-style: chr2-3392451-G-A.
Other names: c.1047+10G>A (NM_016030.5, NM_001321102.2).
Identifiers: ClinVar variation 2888628 (VCV002888628.6), dbSNP rs756591771, ClinGen allele CA1515261.